The following is an entry in ClinVar:

NM_000136.3(FANCC):c.34T>G (p.Tyr12Asp)

Gene: FANCC (FA complementation group C; minus strand). Cytogenetic location: 9q22.32.
Variant type: single nucleotide variant.
Coding change: c.34T>G on transcript NM_000136.3 (MANE Select); coding-DNA position 34, T replaced by G.
Protein change: p.Tyr12Asp; replaces tyrosine 12 with aspartic acid.
Molecular consequence: missense variant.
Genome position (GRCh38, 1-based): chr9:95,249,258, A>C on the plus strand (T>G on the coding strand, the complement: FANCC is on the minus strand). VCF-style: chr9-95249258-A-C. GRCh37 (hg19) VCF-style: chr9-98011540-A-C.
Other names: c.34T>G, p.Tyr12Asp (NM_001243743.2, NM_001243744.2); short protein forms Y12D.
Identifiers: ClinVar variation 526344 (VCV000526344.11), dbSNP rs766173332, ClinGen allele CA196922684.
Genomic context (GRCh38, chr9:95,249,258, plus strand): 5'-GCTGGGTTTCCAAAGTGGAAGCCTGATCCCATACAGAAAGCTTCTGCATCCAAAACTGAT[A>C]ATCACAAGAAAGATCTACTGAATCTTGAGCCATCTTGGAAAAAGCGAAAAGGTGATGTCC-3'
Protein context (NP_000127.2, residues 2-22): AQDSVDLSCD[Tyr12Asp]QFWMQKLSVW

ClinVar aggregate classification (germline): Uncertain significance. Review status: criteria provided, multiple submitters, no conflicts (2 of 4 stars). 2 submissions from 2 submitters: Uncertain significance (2). Last evaluated 2025-10-28.

Conditions:
Hereditary cancer-predisposing syndrome. Also called: Neoplastic Syndromes, Hereditary; Tumor predisposition; Hereditary Cancer Syndrome; Hereditary neoplastic syndrome. Identifiers: Orphanet 140162, MedGen C0027672, MeSH D009386, MONDO:0015356.
Fanconi anemia (FA). Also called: Fanconi's anemia. Identifiers: Orphanet 84, MedGen C0015625, MeSH D005199, MONDO:0019391.

gnomAD v4.1: 1 of 1,614,160 alleles (0.000062%); highest among the groups gnomAD compares: East Asian, 0.0022%; no homozygotes.

Submissions (2):

Ambry Genetics
Classification: Uncertain significance for Hereditary cancer-predisposing syndrome. Last evaluated: 2025-10-28. Review status: criteria provided, single submitter. Criteria: Ambry Variant Classification Scheme 2023. Collection method: clinical testing. Allele origin: germline.
Comment: The p.Y12D variant (also known as c.34T>G), located in coding exon 1 of the FANCC gene, results from a T to G substitution at nucleotide position 34. The tyrosine at codon 12 is replaced by aspartic acid, an amino acid with highly dissimilar properties. This amino acid position is not well conserved in available vertebrate species. In addition, this alteration is predicted to be tolerated by in silico analysis. Since supporting evidence is limited at this time, the clinical significance of this alteration remains unclear.

Labcorp Genetics (formerly Invitae), Labcorp
Classification: Uncertain significance for Fanconi anemia. Last evaluated: 2021-08-13. Review status: criteria provided, single submitter. Criteria: Invitae Variant Classification Sherloc (09022015). Collection method: clinical testing. Allele origin: germline.
Comment: This sequence change replaces tyrosine with aspartic acid at codon 12 of the FANCC protein (p.Tyr12Asp). The tyrosine residue is moderately conserved and there is a large physicochemical difference between tyrosine and aspartic acid. This variant is not present in population databases (ExAC no frequency). This variant has not been reported in the literature in individuals affected with FANCC-related conditions. Algorithms developed to predict the effect of missense changes on protein structure and function are either unavailable or do not agree on the potential impact of this missense change (SIFT: "Tolerated"; PolyPhen-2: "Probably Damaging"; Align-GVGD: "Class C15"). In summary, the available evidence is currently insufficient to determine the role of this variant in disease. Therefore, it has been classified as a Variant of Uncertain Significance.